The following is an entry in ClinVar:

NM_001009944.3(PKD1):c.3622G>C (p.Val1208Leu)

Gene: PKD1 (polycystin 1, transient receptor potential channel interacting; minus strand). Cytogenetic location: 16p13.3.
Variant type: single nucleotide variant.
Coding change: c.3622G>C on transcript NM_001009944.3 (MANE Select); coding-DNA position 3622, G replaced by C.
Protein change: p.Val1208Leu; replaces valine 1208 with leucine.
Molecular consequence: missense variant.
Genome position (GRCh38, 1-based): chr16:2,111,545, C>G on the plus strand (G>C on the coding strand, the complement: PKD1 is on the minus strand). VCF-style: chr16-2111545-C-G. GRCh37 (hg19) VCF-style: chr16-2161546-C-G.
Other names: c.3622G>C, p.Val1208Leu (NM_000296.4); short protein forms V1208L.
Identifiers: ClinVar variation 4082487 (VCV004082487.2).
Genomic context (GRCh38, chr16:2,111,545, plus strand): 5'-GGGCGCCCTGCTCCACGGCCAGGCTCATGTCCACGCTGAGTCCGCGGAGCTCCTCAAAGA[C>G]GCGCACATCCGCCTGGGCCGCCGCACCGCTCACCGTGTTGTTGACCTCCAGGCGCACGTG-3'
Protein context (NP_001009944.3, residues 1198-1218): SGAAAQADVR[Val1208Leu]FEELRGLSVD

ClinVar aggregate classification (germline): Uncertain significance (1 of 4 stars; one submission).

gnomAD v4.1: 1 of 1,594,156 alleles (0.000063%); highest among the groups gnomAD compares: African/African-American, 0.0013%; no homozygotes.

Submission:

Genetic Services Laboratory, University of Chicago
Classification: Uncertain significance. Last evaluated: 2024-07-01. Review status: criteria provided, single submitter. Criteria: ACMG Guidelines, 2015. Collection method: clinical testing. Allele origin: germline. Affected: no.
Comment: DNA sequence analysis of the PKD1 gene demonstrated a sequence change, c.3622G>C, in exon 15 that results in an amino acid change, p.Val1208Leu. This sequence change does not appear to have been previously described in individuals with PKD1-related disorders. This sequence change has been described in the gnomAD database with a frequency of 0.001% in the African subpopulation (dbSNP not available). The p.Val1208Leu change affects a moderately conserved amino acid residue located in a domain of the PKD1 protein that is known to be functional. In-silico pathogenicity prediction tools (SIFT, PolyPhen2, Align GVGD, REVEL) provide contradictory results for the p.Val1208Leu substitution. Due to insufficient evidence and the lack of functional studies, the clinical significance of the p.Val1208Leu change remains unknown at this time.